The following is an entry in ClinVar:

NM_001009944.3(PKD1):c.8497C>T (p.Pro2833Ser)

Gene: PKD1 (polycystin 1, transient receptor potential channel interacting; minus strand). Cytogenetic location: 16p13.3.
Variant type: single nucleotide variant.
Coding change: c.8497C>T on transcript NM_001009944.3 (MANE Select); coding-DNA position 8497, C replaced by T.
Protein change: p.Pro2833Ser; replaces proline 2833 with serine.
Molecular consequence: missense variant.
Genome position (GRCh38, 1-based): chr16:2,103,560, G>A on the plus strand (C>T on the coding strand, the complement: PKD1 is on the minus strand). VCF-style: chr16-2103560-G-A. GRCh37 (hg19) VCF-style: chr16-2153561-G-A.
Other names: c.8497C>T, p.Pro2833Ser (NM_000296.4); short protein forms P2833S.
Identifiers: ClinVar variation 388281 (VCV000388281.8), dbSNP rs1057523051, ClinGen allele CA16606969.
Genomic context (GRCh38, chr16:2,103,560, plus strand): 5'-ATGCCATCGAGGCCACCTTGGTGGAGACGGTGTAGTTGCTGATATAGCCAAAGGGAAAGG[G>A]ATTGGAGTCCACCAGAAAGATGAGCTGCACCACGTCACTGAGGTTGGCCAGGGCCCCGCT-3'
Protein context (NP_001009944.3, residues 2823-2843): VQLIFLVDSN[Pro2833Ser]FPFGYISNYT

ClinVar aggregate classification (germline): Conflicting classifications of pathogenicity. Review status: criteria provided, conflicting classifications (1 of 4 stars). 5 submissions from 5 submitters: Pathogenic (1); Likely pathogenic (1); Uncertain significance (2). 1 of the submissions does not count toward it. Last evaluated 2026-05-11.

Conditions:
Polycystic kidney disease. Also called: Kidney, Polycystic; Polycystic kidney dysplasia. Identifiers: MedGen C0022680, MeSH D007690, MONDO:0020642, HP:0000113.
PKD1-related disorder. Also called: PKD1-related condition.
Polycystic kidney disease, adult type (PKD1). Also called: Polycystic kidney disease 1, severe; Polycystic Kidney, Autosomal Dominant; POLYCYSTIC KIDNEY DISEASE, ADULT, TYPE I; Polycystic Kidney Disease 1, Autosomal Dominant; Polycystic kidney disease 1; POLYCYSTIC KIDNEY DISEASE 1 WITH OR WITHOUT POLYCYSTIC LIVER DISEASE. Identifiers: MedGen C3149841, MONDO:0008263, OMIM 173900.

Allele frequency attached by ClinVar (database versions not stated): gnomAD 0.00001.
gnomAD v4.1: 1 of 1,609,832 alleles (0.000062%); highest among the groups gnomAD compares: Admixed American, 0.0017%; no homozygotes.

Submissions (5):

Women's Health and Genetics/Laboratory Corporation of America, LabCorp
Classification: Pathogenic for Polycystic kidney disease, adult type. Last evaluated: 2026-05-11. Review status: criteria provided, single submitter. Criteria: LabCorp Variant Classification Summary - May 2015. Collection method: clinical testing. Allele origin: germline.
Comment: Variant summary: PKD1 c.8497C>T (p.Pro2833Ser) results in a non-conservative amino acid change in the encoded protein sequence. Algorithms developed to predict the effect of missense changes on protein structure and function are either unavailable or do not agree on the potential impact of this missense change. The variant was absent in 246840 control chromosomes (gnomAD). c.8497C>T has been observed in the heterozygous state in multiple individuals affected with autosomal dominant Polycystic Kidney Disease, including an individual who was diagnosed prenatally and had an affected father who also harbored the variant (e.g. Heyer_2016, Audrezet_2016, Schonauer_2020, Ciantar_2024). These data indicate that the variant is very likely to be associated with disease. The following publications have been ascertained in the context of this evaluation (PMID: 26139440, 38537868, 26823553, 32398770). ClinVar contains an entry for this variant (Variation ID: 388281). Based on the evidence outlined above, the variant was classified as pathogenic.

Victorian Clinical Genetics Services, Murdoch Childrens Research Institute
Classification: Uncertain significance for Polycystic kidney disease, adult type. Last evaluated: 2024-09-22. Review status: criteria provided, single submitter. Criteria: ACMG Guidelines, 2015. Collection method: clinical testing. Allele origin: germline. Inheritance: Autosomal dominant inheritance. Affected: yes.
Comment: Based on the classification scheme VCGS_Germline_v1.3.4, this variant is classified as VUS-3A. Following criteria are met: 0102 - Loss of function is a known mechanism of disease in this gene and is associated with polycystic kidney disease 1 (MIM#173900). (I) 0107 - This gene is associated with autosomal dominant disease. Polycystic kidney disease 1 (MIM#173900) is predominantly caused by monoallelic variants, with rare reports of biallelic variants causing disease (OMIM). (I) 0200 - Variant is predicted to result in a missense amino acid change from proline to serine. (I) 0251 - This variant is heterozygous. (I) 0302 - Variant is present in gnomAD (v3) <0.001 for a dominant condition (1 heterozygote, 0 homozygotes). (SP) 0309 - An alternative amino acid change at the same position has been observed in gnomAD (v3) (2 heterozygotes, 0 homozygotes). (I) 0502 - Missense variant with conflicting in silico predictions and uninformative conservation. (I) 0604 - Variant is not located in an established domain, motif, hotspot or informative constraint region. (I) 0704 - Another variant comparable to the one identified in this case has limited previous evidence for pathogenicity. p.(Pro2833Arg) has been classified as likely pathogenic in pkdb. (SP) 0808 - Previous evidence of pathogenicity for this variant is conflicting. This variant has been classified as a VUS by two clinical laboratories in ClinVar, and as likely pathogenic in pkdb. This variant has also been observed in a father and his unborn child with polycystic kidney disease, and in another unrelated individual with ADPKD (PMID: 32398770, 26139440). (I) 1007 - No published functional evidence has been identified for this variant. (I) 1208 - Inheritance information for this variant is not currently available in this individual. (I) Legend: (SP) - Supporting pathogenic, (I) - Information, (SB) - Supporting benign

Blueprint Genetics
Classification: Likely pathogenic for PKD1-related disorders. Last evaluated: 2024-03-01. Review status: criteria provided, single submitter. Criteria: ACMG Guidelines, 2015. Collection method: clinical testing. Allele origin: germline. Affected: yes. Observed: 1 variant allele.

GeneDx
Classification: Uncertain significance. Last evaluated: 2023-02-24. Review status: criteria provided, single submitter. Criteria: GeneDx Variant Classification Process June 2021. Collection method: clinical testing. Allele origin: germline. Affected: yes.
Comment: Not observed at significant frequency in large population cohorts (gnomAD); In silico analysis supports that this missense variant has a deleterious effect on protein structure/function; This variant is associated with the following publications: (PMID: 26139440)

Department of Pathology and Laboratory Medicine, Sinai Health System
Classification: Uncertain significance for Polycystic Kidney disease. Review status: no assertion criteria provided. Collection method: clinical testing. Allele origin: unknown. Affected: yes. Study: The Canadian Open Genetics Repository (COGR). Not counted in ClinVar's aggregate classification.
Comment: The PKD1 p.Pro2833Ser variant was identified in 1 of 82 proband chromosomes (frequency: 0.01) from individuals or families with prenatally detected PKD (Audrezet 2016, 26139440). The variant was also identified in ClinVar (Uncertain Significance 1x by GeneDx), and the ADPKD Mutation Database (Likely Pathogenic by Athena). The variant was not identified in LOVD 3.0, or the PKD1-LOVD databases. The variant was not identified in the following control databases: the Exome Aggregation Consortium (August 8th 2016), or the Genome Aggregation Database (Feb 27, 2017). The p.Pro2833Ser residue is conserved across mammals and other organisms, and computational analyses (PolyPhen-2, SIFT, AlignGVGD, BLOSUM, MutationTaster) suggest that the variant may impact the protein; however, this information is not predictive enough to assume pathogenicity. The variant occurs outside of the splicing consensus sequence and in silico or computational prediction software programs (SpliceSiteFinder, MaxEntScan, NNSPLICE, GeneSplicer, HumanSpliceFinder) do not predict a difference in splicing. In summary, based on the above information the clinical significance of this variant cannot be determined with certainty at this time. This variant is classified as a variant of uncertain significance.

Literature cited by the submitters: PubMed 26139440 (cited by Women's Health and Genetics/Laboratory Corporation of America, LabCorp and Victorian Clinical Genetics Services, Murdoch Childrens Research Institute); PubMed 32398770 (cited by Women's Health and Genetics/Laboratory Corporation of America, LabCorp and Victorian Clinical Genetics Services, Murdoch Childrens Research Institute); PubMed 26823553 (cited by Women's Health and Genetics/Laboratory Corporation of America, LabCorp); PubMed 38537868 (cited by Women's Health and Genetics/Laboratory Corporation of America, LabCorp).